The following is an entry in ClinVar:

NM_052813.5(CARD9):c.6G>A (p.Ser2=)

Gene: CARD9 (caspase recruitment domain family member 9; minus strand). Cytogenetic location: 9q34.3.
Variant type: single nucleotide variant.
Coding change: c.6G>A on transcript NM_052813.5 (MANE Select); coding-DNA position 6, G replaced by A.
Protein change: p.Ser2=; no amino-acid change (serine 2 retained).
Molecular consequence: synonymous variant.
Genome position (GRCh38, 1-based): chr9:136,372,073, C>T on the plus strand (G>A on the coding strand, the complement: CARD9 is on the minus strand). VCF-style: chr9-136372073-C-T. GRCh37 (hg19) VCF-style: chr9-139266525-C-T.
Other names: c.6G>A, p.Ser2= (NM_052814.4).
Identifiers: ClinVar variation 728769 (VCV000728769.30), dbSNP rs975975788, ClinGen allele CA201615899.

ClinVar aggregate classification (germline): Likely benign. Review status: criteria provided, multiple submitters, no conflicts (2 of 4 stars). 2 submissions from 2 submitters: Likely benign (2). Last evaluated 2023-12-09.

Conditions:
Predisposition to invasive fungal disease due to CARD9 deficiency (IMD103). Also called: Candidiasis, familial, 2, autosomal recessive; IMMUNODEFICIENCY 103, SUSCEPTIBILITY TO FUNGAL INFECTIONS; CARD9 IMMUNODEFICIENCY. Identifiers: Orphanet 457088, MedGen C1859353, MONDO:0008905, OMIM 212050.

Allele frequency attached by ClinVar (database versions not stated): gnomAD 0.00001; gnomAD exomes 0.00001; TOPMed 0.00002.
gnomAD v4.1: 13 of 1,612,490 alleles (0.00081%); highest among the groups gnomAD compares: African/African-American, 0.0053%; no homozygotes.

Submissions (2):

Labcorp Genetics (formerly Invitae), Labcorp
Classification: Likely benign for Predisposition to invasive fungal disease due to CARD9 deficiency. Last evaluated: 2023-12-09. Review status: criteria provided, single submitter. Criteria: Invitae Variant Classification Sherloc (09022015). Collection method: clinical testing. Allele origin: germline.

CeGaT Center for Human Genetics Tuebingen
Classification: Likely benign. Last evaluated: 2022-11-01. Review status: criteria provided, single submitter. Criteria: CeGaT Center For Human Genetics Tuebingen Variant Classification Criteria Version 2. Collection method: clinical testing. Allele origin: germline. Affected: yes. Observed: 1 variant allele.
Comment: CARD9: BP4, BP7